The following is an entry in ClinVar:

ClinVar aggregate classification (germline): Likely benign (1 of 4 stars; one submission).

gnomAD v4.1: 5 of 1,613,962 alleles (0.00031%); highest among the groups gnomAD compares: Middle Eastern, 0.033%; no homozygotes.

Submission:

CeGaT Center for Human Genetics Tuebingen
Classification: Likely benign. Last evaluated: 2025-05-01. Review status: criteria provided, single submitter. Criteria: CeGaT Center For Human Genetics Tuebingen Variant Classification Criteria Version 2. Collection method: clinical testing. Allele origin: germline. Affected: yes. Observed: 1 variant allele.
Comment: SON: BP4, BP7

NM_138927.4(SON):c.2154T>A (p.Ser718=)

Gene: SON (SON DNA and RNA binding protein; plus strand). Cytogenetic location: 21q22.11.
Variant type: single nucleotide variant.
Coding change: c.2154T>A on transcript NM_138927.4 (MANE Select); coding-DNA position 2154, T replaced by A.
Protein change: p.Ser718=; no amino-acid change (serine 718 retained).
Molecular consequence: synonymous variant. On other transcripts: non-coding transcript variant (1), intron variant (1).
Genome position (GRCh38, 1-based): chr21:33,551,385, T>A. VCF-style: chr21-33551385-T-A. GRCh37 (hg19) VCF-style: chr21-34923691-T-A.
Other names: c.2154T>A, p.Ser718= (NM_001291411.2, NM_032195.3); c.244+5006T>A (NM_001291412.3).
Identifiers: ClinVar variation 3905316 (VCV003905316.10).
Genomic context (GRCh38, chr21:33,551,385, plus strand): 5'-GACTTCTGTAACAGTAGGAGTGGATCCCTTGATGGCCCCAGAATCCCATATATTAGCTTC[T>A]AACACCATGGAGACCCATATATTAGCATCCAACACCATGGACTCCCAAATGCTAGCGTCC-3'
Protein context (NP_620305.3, residues 708-728): LMAPESHILA[Ser718=]NTMETHILAS